The following is an entry in ClinVar:

NM_001382567.1(STIM1):c.1780G>T (p.Val594Phe)

Gene: STIM1 (stromal interaction molecule 1; plus strand). Cytogenetic location: 11p15.4.
Variant type: single nucleotide variant.
Coding change: c.1780G>T on transcript NM_001382567.1 (MANE Select); coding-DNA position 1780, G replaced by T.
Protein change: p.Val594Phe; replaces valine 594 with phenylalanine.
Molecular consequence: missense variant. On other transcripts: 3 prime UTR variant (4), non-coding transcript variant (3).
Genome position (GRCh38, 1-based): chr11:4,091,427, G>T. VCF-style: chr11-4091427-G-T. GRCh37 (hg19) VCF-style: chr11-4112657-G-T.
Other names: c.2005G>T, p.Val669Phe (NM_001277961.3); c.*101G>T (NM_001277962.2, NM_001382578.1, NM_001382579.1 and 1 more transcripts); c.1783G>T, p.Val595Phe (NM_001382566.1); c.1708G>T, p.Val570Phe (NM_001382568.1); c.1552G>T, p.Val518Phe (NM_001382569.1); c.1459G>T, p.Val487Phe (NM_001382570.1); c.1207G>T, p.Val403Phe (NM_001382571.1); c.1465G>T, p.Val489Phe (NM_001382575.1, NM_001382576.1, NM_001382577.1); and 2 more; short protein forms V400F, V403F, V487F, V489F, V518F, V563F, V570F, V594F.
Identifiers: ClinVar variation 1801030 (VCV001801030.1), dbSNP rs1293438304, ClinGen allele CA379196923.

ClinVar aggregate classification (germline): Uncertain significance (1 of 4 stars; one submission).

Submission:

GeneDx
Classification: Uncertain significance. Last evaluated: 2022-05-26. Review status: criteria provided, single submitter. Criteria: GeneDx Variant Classification Process June 2021. Collection method: clinical testing. Allele origin: germline. Affected: yes.
Comment: Not observed at significant frequency in large population cohorts (gnomAD); In silico analysis supports that this missense variant does not alter protein structure/function; Has not been previously published as pathogenic or benign to our knowledge